The following is an entry in ClinVar:

NM_203486.3(DLL3):c.1579C>T (p.Arg527Cys)

Genes: DLL3 (delta like canonical Notch ligand 3; plus strand), LOC130064419 (ATAC-STARR-seq lymphoblastoid silent region 10610; plus strand). Cytogenetic location: 19q13.2.
Variant type: single nucleotide variant.
Coding change: c.1579C>T on transcript NM_203486.3 (MANE Select); coding-DNA position 1579, C replaced by T.
Protein change: p.Arg527Cys; replaces arginine 527 with cysteine.
Molecular consequence: missense variant.
Genome position (GRCh38, 1-based): chr19:39,507,524, C>T. VCF-style: chr19-39507524-C-T. GRCh37 (hg19) VCF-style: chr19-39998164-C-T.
Other names: c.1579C>T (NM_016941.3); c.1579C>T, p.Arg527Cys (NM_016941.4); short protein forms R527C.
Identifiers: ClinVar variation 1026162 (VCV001026162.12), dbSNP rs1023944294, ClinGen allele CA308227802.

ClinVar aggregate classification (germline): Uncertain significance. Review status: criteria provided, multiple submitters, no conflicts (2 of 4 stars). 2 submissions from 2 submitters: Uncertain significance (2). Last evaluated 2025-11-02.

Conditions:
Inborn genetic diseases. Identifiers: MedGen C0950123, MeSH D030342.

Allele frequency attached by ClinVar (database versions not stated): TOPMed below 0.00001.
gnomAD v4.1: 2 of 1,603,690 alleles (0.00012%); highest among the groups gnomAD compares: Admixed American, 0.0017%; no homozygotes.

Submissions (2):

Labcorp Genetics (formerly Invitae), Labcorp
Classification: Uncertain significance. Last evaluated: 2025-11-02. Review status: criteria provided, single submitter. Criteria: Invitae Variant Classification Sherloc (09022015). Collection method: clinical testing. Allele origin: germline.
Comment: This sequence change replaces arginine, which is basic and polar, with cysteine, which is neutral and slightly polar, at codon 527 of the DLL3 protein (p.Arg527Cys). This variant is not present in population databases (gnomAD no frequency). This variant has not been reported in the literature in individuals affected with DLL3-related conditions. ClinVar contains an entry for this variant (Variation ID: 1026162). An algorithm developed to predict the effect of missense changes on protein structure and function (PolyPhen-2) suggests that this variant is likely to be disruptive. In summary, the available evidence is currently insufficient to determine the role of this variant in disease. Therefore, it has been classified as a Variant of Uncertain Significance.

Ambry Genetics
Classification: Uncertain significance for Inborn genetic diseases. Last evaluated: 2025-04-05. Review status: criteria provided, single submitter. Criteria: Ambry Variant Classification Scheme 2023. Collection method: clinical testing. Allele origin: germline.